The following is an entry in ClinVar:

NM_004937.3(CTNS):c.94G>A (p.Val32Ile)

Gene: CTNS (cystinosin, lysosomal cystine transporter; plus strand). Cytogenetic location: 17p13.2.
Variant type: single nucleotide variant.
Coding change: c.94G>A on transcript NM_004937.3 (MANE Select); coding-DNA position 94, G replaced by A.
Protein change: p.Val32Ile; replaces valine 32 with isoleucine.
Molecular consequence: missense variant. On other transcripts: 5 prime UTR variant (3), intron variant (1).
Genome position (GRCh38, 1-based): chr17:3,647,476, G>A. VCF-style: chr17-3647476-G-A. GRCh37 (hg19) VCF-style: chr17-3550770-G-A.
Other names: c.94G>A, p.Val32Ile (NM_001031681.3, NM_001374492.1); c.-263G>A (NM_001374493.1, NM_001374496.1); c.-348G>A (NM_001374494.1); c.-217+7209G>A (NM_001374495.1); short protein forms V32I.
Identifiers: ClinVar variation 322834 (VCV000322834.26), dbSNP rs146684402, ClinGen allele CA8291552.

ClinVar aggregate classification (germline): Conflicting classifications of pathogenicity. Review status: criteria provided, conflicting classifications (1 of 4 stars). 4 submissions from 4 submitters: Uncertain significance (2); Likely benign (1). 1 of the submissions does not count toward it. Last evaluated 2026-01-13.

Conditions:
Cystinosis. Also called: Cystine diathesis; Cystine storage disease; Cystinoses. Identifiers: Orphanet 213, MedGen C4316899, MONDO:0016239.
Inborn genetic diseases. Identifiers: MedGen C0950123, MeSH D030342.
Ocular cystinosis. Also called: Non-Nephropathic (Ocular) Cystinosis; Non-Nephropathic Cystinosis. Identifiers: Orphanet 213, Orphanet 411641, MedGen C2931013, MONDO:0009064, OMIM 219750.
Juvenile nephropathic cystinosis. Also called: Later-Onset (Juvenile) Cystinosis; Intermediate Cystinosis; CYSTINOSIS, LATE-ONSET JUVENILE OR ADOLESCENT NEPHROPATHIC TYPE. Identifiers: Orphanet 213, Orphanet 411634, MedGen C0268626, MONDO:0009066, OMIM 219900.

Allele frequency attached by ClinVar (database versions not stated): gnomAD exomes 0.00005 and 0.00012; ExAC 0.00014; 1000 Genomes Project 0.00020; ESP Exome Variant Server 0.00031; gnomAD 0.00036; TOPMed 0.00040; 1000 Genomes Project 30x 0.00047.

Submissions (4):

Labcorp Genetics (formerly Invitae), Labcorp
Classification: Likely benign for Inborn genetic diseases; Ocular cystinosis; Juvenile nephropathic cystinosis. Last evaluated: 2026-01-13. Review status: criteria provided, single submitter. Criteria: Invitae Variant Classification Sherloc (09022015). Collection method: clinical testing. Allele origin: germline.

Ambry Genetics
Classification: Uncertain significance for Inborn genetic diseases. Last evaluated: 2025-03-31. Review status: criteria provided, single submitter. Criteria: Ambry Variant Classification Scheme 2023. Collection method: clinical testing. Allele origin: germline.

ARUP Laboratories, Molecular Genetics and Genomics, ARUP Laboratories
Classification: Uncertain significance. Last evaluated: 2017-07-06. Review status: criteria provided, single submitter. Criteria: ARUP Molecular Germline Variant Investigation Process. Collection method: clinical testing. Allele origin: germline.
Comment: The p.Val32Ile variant (rs146684402) has not been reported in the medical literature or gene specific variation databases but has been reported to ClinVar (Variation ID: 322834). This variant is listed in the genome Aggregation Database (gnomAD) with an African population frequency of 0.12 percent (identified on 30 out of 24028 chromosomes). The valine at position 32 is moderately conserved (considering 14 species) (Alamut v2.9.0) and computational analyses of the effects of the p.Val32Ile variant on protein structure and function provide conflicting results (SIFT: tolerated, MutationTaster: disease causing, PolyPhen-2: benign). Altogether, there is not enough evidence to classify the p.Val32Ile variant with certainty.

Natera, Inc.
Classification: Uncertain significance for Cystinosis. Last evaluated: 2020-02-21. Review status: no assertion criteria provided. Collection method: clinical testing. Allele origin: germline. Not counted in ClinVar's aggregate classification.